The following is an entry in ClinVar:

ClinVar aggregate classification (germline): Uncertain significance (1 of 4 stars; one submission).

Conditions:
Inborn genetic diseases. Identifiers: MedGen C0950123, MeSH D030342.

Submission:

Ambry Genetics
Classification: Uncertain significance for Inborn genetic diseases. Last evaluated: 2025-10-22. Review status: criteria provided, single submitter. Criteria: Ambry Variant Classification Scheme 2023. Collection method: clinical testing. Allele origin: germline.
Comment: The p.V177M variant (also known as c.529G>A), located in coding exon 4 of the ELANE gene, results from a G to A substitution at nucleotide position 529. The valine at codon 177 is replaced by methionine, an amino acid with highly similar properties. This amino acid position is conserved. In addition, the in silico prediction for this alteration is inconclusive. Based on the available evidence, the clinical significance of this variant remains unclear.

NM_001972.4(ELANE):c.529G>A (p.Val177Met)

Gene: ELANE (elastase, neutrophil expressed; plus strand). Cytogenetic location: 19p13.3.
Variant type: single nucleotide variant.
Coding change: c.529G>A on transcript NM_001972.4 (MANE Select); coding-DNA position 529, G replaced by A.
Protein change: p.Val177Met; replaces valine 177 with methionine.
Molecular consequence: missense variant.
Genome position (GRCh38, 1-based): chr19:855,726, G>A. VCF-style: chr19-855726-G-A. GRCh37 (hg19) VCF-style: chr19-855726-G-A.
Other names: short protein forms V177M.
Identifiers: ClinVar variation 4618403 (VCV004618403.1).